The following is an entry in ClinVar:

ClinVar aggregate classification (germline): Likely benign (1 of 4 stars; one submission).

Allele frequency attached by ClinVar (database versions not stated): gnomAD 0.00002; ExAC 0.00273.

Submission:

CeGaT Center for Human Genetics Tuebingen
Classification: Likely benign. Last evaluated: 2024-04-01. Review status: criteria provided, single submitter. Criteria: CeGaT Center For Human Genetics Tuebingen Variant Classification Criteria Version 2. Collection method: clinical testing. Allele origin: germline. Affected: yes. Observed: 1 variant allele.
Comment: ZNF814: BP4, BP7

NM_001144989.2(ZNF814):c.960G>A (p.Gly320=)

Gene: ZNF814 (zinc finger protein 814; minus strand). Cytogenetic location: 19q13.43.
Variant type: single nucleotide variant.
Coding change: c.960G>A on transcript NM_001144989.2 (MANE Select); coding-DNA position 960, G replaced by A.
Protein change: p.Gly320=; no amino-acid change (glycine 320 retained).
Molecular consequence: synonymous variant.
Genome position (GRCh38, 1-based): chr19:57,874,430, C>T on the plus strand (G>A on the coding strand, the complement: ZNF814 is on the minus strand). VCF-style: chr19-57874430-C-T. GRCh37 (hg19) VCF-style: chr19-58385798-C-T.
Identifiers: ClinVar variation 3234528 (VCV003234528.20), dbSNP rs750069165, ClinGen allele CA9707492.
Genomic context (GRCh38, chr19:57,874,430, plus strand): 5'-ACTGAAGCTAGCATATTTGCTAAACGATTTCCCACATTCTCCACATTCATAAGGTCTTTT[C>T]CCAGTGTGAACTCTCTGATGATTACTGAAGCTAACATATTTGCTAAAGGATTTCCCACAT-3'
Protein context (NP_001138461.1, residues 310-330): SFSNHQRVHT[Gly320=]KRPYECGECG